The following is an entry in ClinVar:

NM_014915.3(ANKRD26):c.2416G>A (p.Asp806Asn)

Gene: ANKRD26 (ankyrin repeat domain 26; minus strand). Cytogenetic location: 10p12.1.
Variant type: single nucleotide variant.
Coding change: c.2416G>A on transcript NM_014915.3 (MANE Select); coding-DNA position 2416, G replaced by A.
Protein change: p.Asp806Asn; replaces aspartic acid 806 with asparagine.
Molecular consequence: missense variant.
Genome position (GRCh38, 1-based): chr10:27,038,014, C>T on the plus strand (G>A on the coding strand, the complement: ANKRD26 is on the minus strand). VCF-style: chr10-27038014-C-T. GRCh37 (hg19) VCF-style: chr10-27326943-C-T.
Other names: c.2413G>A, p.Asp805Asn (NM_001256053.2); short protein forms D806N, D805N.
Identifiers: ClinVar variation 4579373 (VCV004579373.1).
Genomic context (GRCh38, chr10:27,038,014, plus strand): 5'-CTTTCCTATATTGCTCTTCTTTTCTTCTTAACTGTTCCCTAATTTTTTCATACAACGTAT[C>T]AGCATTTCTTCTCTTCTCTTCTTCTTGGTTTAAGCTAAATCTGCAGTTAAATATGTTTAT-3'
Protein context (NP_055730.2, residues 796-816): NQEEEKRRNA[Asp806Asn]TLYEKIREQL

ClinVar aggregate classification (germline): Uncertain significance (1 of 4 stars; one submission).

Conditions:
Inborn genetic diseases. Identifiers: MedGen C0950123, MeSH D030342.

Submission:

Ambry Genetics
Classification: Uncertain significance for Inborn genetic diseases. Last evaluated: 2025-10-14. Review status: criteria provided, single submitter. Criteria: Ambry Variant Classification Scheme 2023. Collection method: clinical testing. Allele origin: germline.
Comment: The p.D806N variant (also known as c.2416G>A), located in coding exon 22 of the ANKRD26 gene, results from a G to A substitution at nucleotide position 2416. The aspartic acid at codon 806 is replaced by asparagine, an amino acid with highly similar properties. This amino acid position is conserved. In addition, this alteration is predicted to be tolerated by in silico analysis. Based on the available evidence, the clinical significance of this variant remains unclear.